The following is an entry in ClinVar:

NM_002948.5(RPL15):c.103G>A (p.Ala35Thr)

Genes: NKIRAS1 (NFKB inhibitor interacting Ras like 1; minus strand), RPL15 (ribosomal protein L15; plus strand). Cytogenetic location: 3p24.2.
Variant type: single nucleotide variant.
Coding change: c.103G>A on transcript NM_002948.5 (MANE Select); coding-DNA position 103, G replaced by A.
Protein change: p.Ala35Thr; replaces alanine 35 with threonine.
Molecular consequence: missense variant. On other transcripts: intron variant (1).
Genome position (GRCh38, 1-based): chr3:23,917,962, G>A. VCF-style: chr3-23917962-G-A. GRCh37 (hg19) VCF-style: chr3-23959453-G-A.
Other names: c.103G>A, p.Ala35Thr (NM_001253379.2, NM_001253380.2, NM_001253382.2 and 2 more transcripts); c.-139-6512C>T (NM_001377380.1); short protein forms A35T.
Identifiers: ClinVar variation 1306432 (VCV001306432.7), dbSNP rs1199176508, ClinGen allele CA351881342.

ClinVar aggregate classification (germline): Uncertain significance. Review status: criteria provided, multiple submitters, no conflicts (2 of 4 stars). 2 submissions from 2 submitters: Uncertain significance (2). Last evaluated 2023-02-06.

Allele frequency attached by ClinVar (database versions not stated): gnomAD exomes 0.00003 and 0.00001.
gnomAD v4.1: 39 of 1,613,812 alleles (0.0024%); highest among the groups gnomAD compares: Non-Finnish European, 0.0033%; no homozygotes.

Submissions (2):

Labcorp Genetics (formerly Invitae), Labcorp
Classification: Uncertain significance. Last evaluated: 2023-02-06. Review status: criteria provided, single submitter. Criteria: Invitae Variant Classification Sherloc (09022015). Collection method: clinical testing. Allele origin: germline.
Comment: This sequence change replaces alanine, which is neutral and non-polar, with threonine, which is neutral and polar, at codon 35 of the RPL15 protein (p.Ala35Thr). In summary, the available evidence is currently insufficient to determine the role of this variant in disease. Therefore, it has been classified as a Variant of Uncertain Significance. Algorithms developed to predict the effect of missense changes on protein structure and function (SIFT, PolyPhen-2, Align-GVGD) all suggest that this variant is likely to be tolerated. ClinVar contains an entry for this variant (Variation ID: 1306432). This variant has not been reported in the literature in individuals affected with RPL15-related conditions. This variant is present in population databases (no rsID available, gnomAD 0.002%).

GeneDx
Classification: Uncertain significance. Last evaluated: 2019-06-11. Review status: criteria provided, single submitter. Criteria: GeneDx Variant Classification Process June 2021. Collection method: clinical testing. Allele origin: germline. Affected: yes.
Comment: In silico analysis, which includes protein predictors and evolutionary conservation, supports that this variant does not alter protein structure/function; Has not been previously published as pathogenic or benign to our knowledge